The following is an entry in ClinVar:

NM_000285.4(PEPD):c.1086_1087del (p.Phe363fs)

Gene: PEPD (peptidase D; minus strand). Cytogenetic location: 19q13.11.
Variant type: Microsatellite.
Coding change: c.1086_1087del on transcript NM_000285.4 (MANE Select); coding-DNA positions 1086 to 1087, 2 bases deleted (GT; older notation c.1086_1087delGT).
Protein change: p.Phe363fs; shifts the reading frame from phenylalanine 363.
Molecular consequence: frameshift variant.
Genome position (GRCh38, 1-based): chr19:33,391,360-33,391,361, AC deleted on the plus strand (GT on the coding strand, the reverse complement: PEPD is on the minus strand); deleting any 2 consecutive bases within chr19:33,391,360-33,391,363 gives the same sequence; the c. name uses the placement nearest the transcript's 3' end. VCF-style (leftmost placement, unchanged base first): chr19-33391359-AAC-A. GRCh37 (hg19) VCF-style: chr19-33882265-AAC-A.
Other names: c.963_964del, p.Phe322fs (NM_001166056.2); c.894_895del, p.Phe299fs (NM_001166057.2); short protein forms F299fs, F322fs, F363fs.
Identifiers: ClinVar variation 2146250 (VCV002146250.4), dbSNP rs2513380450, ClinGen allele CA2580613100.

ClinVar aggregate classification (germline): Pathogenic (1 of 4 stars; one submission).

Submission:

Labcorp Genetics (formerly Invitae), Labcorp
Classification: Pathogenic. Last evaluated: 2022-10-13. Review status: criteria provided, single submitter. Criteria: Invitae Variant Classification Sherloc (09022015). Collection method: clinical testing. Allele origin: germline.
Comment: For these reasons, this variant has been classified as Pathogenic. This variant has not been reported in the literature in individuals affected with PEPD-related conditions. This variant is not present in population databases (gnomAD no frequency). This sequence change creates a premature translational stop signal (p.Phe363Tyrfs*12) in the PEPD gene. It is expected to result in an absent or disrupted protein product. Loss-of-function variants in PEPD are known to be pathogenic (PMID: 8198124, 10721675, 12384772, 17142620).

Literature cited by the submitters: PubMed 8198124; PubMed 10721675; PubMed 12384772; PubMed 17142620.